The following is an entry in ClinVar:

NC_000023.10:g.(33038318_33229398)_(33229667_?)dup

Gene: DMD (dystrophin; minus strand). Cytogenetic location: Xp21.1.
Variant type: Duplication.
Identifiers: ClinVar variation 3768938 (VCV003768938.1).

ClinVar aggregate classification (germline): Uncertain significance (1 of 4 stars; one submission).

Submission:

Women's Health and Genetics/Laboratory Corporation of America, LabCorp
Classification: Uncertain significance. Last evaluated: 2025-02-19. Review status: criteria provided, single submitter. Criteria: LabCorp Variant Classification Summary - May 2015. Collection method: clinical testing. Allele origin: germline.
Comment: Variant summary: The variant involves the duplication of exon 1 in the DMD gene. A presumed nomenclature of c.(?_-238)_(31+1_32-1)dup has been designated for the purposes of this classification. The exact breakpoint at the 5' end of this variant is unknown, therefore this duplication may extend upstream of the annotated region of this gene. It is predicted to duplicate a segment including the initiation codon, therefore its impact on the encoded protein is unknown. Duplications involving exon 1 were absent in 16119 control chromosomes in the gnomAD database (Structural Variants v2.1 dataset). Exon 1 duplication variants have been reported in the hemizygous state in the literature in at least 3 individuals affected with Dystrophinopathies (example, Esterhuizen_2014, Lopen-Hernandez_2015). These data indicate that the variant may be associated with disease. To our knowledge, no experimental evidence demonstrating an impact on protein function has been reported. The following publications have been ascertained in the context of this evaluation (PMID: 38504154, 26110187, 25761239, 29973226). ClinVar contains entries for matching variants (Variation IDs: 831233, 1098825). Based on the evidence outlined above, the variant was classified as VUS-possibly pathogenic.

Literature cited by the submitters: PubMed 29973226; PubMed 26110187; PubMed 25761239; PubMed 38504154.